The following is an entry in ClinVar:

NM_018263.6(ASXL2):c.577C>T (p.His193Tyr)

Gene: ASXL2 (ASXL transcriptional regulator 2; minus strand). Cytogenetic location: 2p23.3.
Variant type: single nucleotide variant.
Coding change: c.577C>T on transcript NM_018263.6 (MANE Select); coding-DNA position 577, C replaced by T.
Protein change: p.His193Tyr; replaces histidine 193 with tyrosine.
Molecular consequence: missense variant. On other transcripts: 5 prime UTR variant (1).
Genome position (GRCh38, 1-based): chr2:25,768,796, G>A on the plus strand (C>T on the coding strand, the complement: ASXL2 is on the minus strand). VCF-style: chr2-25768796-G-A. GRCh37 (hg19) VCF-style: chr2-25991665-G-A.
Other names: c.403C>T, p.His135Tyr (NM_001369346.1); c.-204C>T (NM_001369347.1); c.577C>T (NM_018263.4); short protein forms H135Y, H193Y.
Identifiers: ClinVar variation 3654294 (VCV003654294.3).

ClinVar aggregate classification (germline): Uncertain significance. Review status: criteria provided, multiple submitters, no conflicts (2 of 4 stars). 2 submissions from 2 submitters: Uncertain significance (2). Last evaluated 2025-12-03.

Conditions:
Inborn genetic diseases. Identifiers: MedGen C0950123, MeSH D030342.

Submissions (2):

Ambry Genetics
Classification: Uncertain significance for Inborn genetic diseases. Last evaluated: 2025-12-03. Review status: criteria provided, single submitter. Criteria: Ambry Variant Classification Scheme 2023. Collection method: clinical testing. Allele origin: germline.

Labcorp Genetics (formerly Invitae), Labcorp
Classification: Uncertain significance. Last evaluated: 2024-05-28. Review status: criteria provided, single submitter. Criteria: Invitae Variant Classification Sherloc (09022015). Collection method: clinical testing. Allele origin: germline.
Comment: This sequence change replaces histidine, which is basic and polar, with tyrosine, which is neutral and polar, at codon 193 of the ASXL2 protein (p.His193Tyr). This variant is not present in population databases (gnomAD no frequency). This variant has not been reported in the literature in individuals affected with ASXL2-related conditions. Advanced modeling of protein sequence and biophysical properties (such as structural, functional, and spatial information, amino acid conservation, physicochemical variation, residue mobility, and thermodynamic stability) performed at Invitae indicates that this missense variant is not expected to disrupt ASXL2 protein function with a negative predictive value of 80%. In summary, the available evidence is currently insufficient to determine the role of this variant in disease. Therefore, it has been classified as a Variant of Uncertain Significance.